The following is an entry in ClinVar:

ClinVar aggregate classification (germline): Uncertain significance (1 of 4 stars; one submission).

Conditions:
Cardiovascular phenotype. Identifiers: MedGen CN230736.

Allele frequency attached by ClinVar (database versions not stated): gnomAD 0.00001; TOPMed 0.00001.
gnomAD v4.1: 1 of 1,613,412 alleles (0.000062%); highest among the groups gnomAD compares: African/African-American, 0.0013%; no homozygotes.

Submission:

Ambry Genetics
Classification: Uncertain significance for Cardiovascular phenotype. Last evaluated: 2017-03-30. Review status: criteria provided, single submitter. Criteria: Ambry Variant Classification Scheme 2023. Collection method: clinical testing. Allele origin: germline.
Comment: The p.D85G variant (also known as c.254A>G), located in coding exon 3 of the NEXN gene, results from an A to G substitution at nucleotide position 254. The aspartic acid at codon 85 is replaced by glycine, an amino acid with similar properties. This amino acid position is poorly conserved in available vertebrate species. In addition, this alteration is predicted to be tolerated by in silico analysis. Since supporting evidence is limited at this time, the clinical significance of this alteration remains unclear.

NM_144573.4(NEXN):c.254A>G (p.Asp85Gly)

Gene: NEXN (nexilin F-actin binding protein; plus strand). Cytogenetic location: 1p31.1.
Variant type: single nucleotide variant.
Coding change: c.254A>G on transcript NM_144573.4 (MANE Select); coding-DNA position 254, A replaced by G.
Protein change: p.Asp85Gly; replaces aspartic acid 85 with glycine.
Molecular consequence: missense variant.
Genome position (GRCh38, 1-based): chr1:77,917,994, A>G. VCF-style: chr1-77917994-A-G. GRCh37 (hg19) VCF-style: chr1-78383679-A-G.
Other names: c.62A>G, p.Asp21Gly (NM_001172309.2); short protein forms D85G, D21G.
Identifiers: ClinVar variation 1792921 (VCV001792921.2), dbSNP rs1649111780, ClinGen allele CA340886288.